The following is an entry in ClinVar:

ClinVar aggregate classification (germline): Uncertain significance (1 of 4 stars; one submission).

Conditions:
Spinocerebellar ataxia, autosomal recessive, with axonal neuropathy 2 (SCAN2). Also called: Ataxia with Oculomotor Apraxia Type 2; Ataxia with Oculomotor Apraxia; ATAXIA-OCULOMOTOR APRAXIA 2; Ataxia-ocular apraxia-2. Identifiers: Orphanet 64753, MedGen C1853761, MONDO:0018996, OMIM 606002.
Amyotrophic lateral sclerosis type 4 (ALS4). Also called: AMYOTROPHIC LATERAL SCLEROSIS 4, JUVENILE; NEURONOPATHY, DISTAL HEREDITARY MOTOR, WITH PYRAMIDAL FEATURES. Identifiers: Orphanet 357043, MedGen C1865409, MONDO:0011223, OMIM 602433.

Allele frequency attached by ClinVar (database versions not stated): gnomAD exomes below 0.00001.

Submission:

Labcorp Genetics (formerly Invitae), Labcorp
Classification: Uncertain significance for Amyotrophic lateral sclerosis type 4; Spinocerebellar ataxia, autosomal recessive, with axonal neuropathy 2. Last evaluated: 2020-11-23. Review status: criteria provided, single submitter. Criteria: Invitae Variant Classification Sherloc (09022015). Collection method: clinical testing. Allele origin: germline.
Comment: This variant is not present in population databases (ExAC no frequency). This sequence change replaces glutamic acid with lysine at codon 2482 of the SETX protein (p.Glu2482Lys). The glutamic acid residue is weakly conserved and there is a small physicochemical difference between glutamic acid and lysine. This variant has not been reported in the literature in individuals with SETX-related conditions. Advanced modeling of protein sequence and biophysical properties (such as structural, functional, and spatial information, amino acid conservation, physicochemical variation, residue mobility, and thermodynamic stability) performed at Invitae indicates that this missense variant is not expected to disrupt SETX protein function. In summary, the available evidence is currently insufficient to determine the role of this variant in disease. Therefore, it has been classified as a Variant of Uncertain Significance.

NM_015046.7(SETX):c.7444G>A (p.Glu2482Lys)

Gene: SETX (senataxin; minus strand). Cytogenetic location: 9q34.13.
Variant type: single nucleotide variant.
Coding change: c.7444G>A on transcript NM_015046.7 (MANE Select); coding-DNA position 7444, G replaced by A.
Protein change: p.Glu2482Lys; replaces glutamic acid 2482 with lysine.
Molecular consequence: missense variant.
Genome position (GRCh38, 1-based): chr9:132,264,829, C>T on the plus strand (G>A on the coding strand, the complement: SETX is on the minus strand). VCF-style: chr9-132264829-C-T. GRCh37 (hg19) VCF-style: chr9-135140216-C-T.
Other names: c.7444G>A, p.Glu2482Lys (NM_001351527.2); c.7531G>A, p.Glu2511Lys (NM_001351528.2); short protein forms E2482K, E2511K.
Identifiers: ClinVar variation 1518660 (VCV001518660.8), dbSNP rs2131114345, ClinGen allele CA375325503.